The following is an entry in ClinVar:

NM_001379610.1(SPINK1):c.87+6G>C

Gene: SPINK1 (serine peptidase inhibitor Kazal type 1; minus strand). Cytogenetic location: 5q32.
Variant type: single nucleotide variant.
Coding change: c.87+6G>C on transcript NM_001379610.1 (MANE Select); 6 bases into the intron after coding-DNA position 87, G replaced by C.
Molecular consequence: intron variant.
Genome position (GRCh38, 1-based): chr5:147,829,593, C>G on the plus strand (G>C on the coding strand, the complement: SPINK1 is on the minus strand). VCF-style: chr5-147829593-C-G. GRCh37 (hg19) VCF-style: chr5-147209156-C-G.
Other names: c.87+6G>C (NM_003122.5, NM_001354966.2).
Identifiers: ClinVar variation 459189 (VCV000459189.6), dbSNP rs1554089890, ClinGen allele CA658657548.
Genomic context (GRCh38, chr5:147,829,593, plus strand): 5'-GGCTGCATTTTTGTTGGATCAAACTGTTCCAGTCTGAGAAATAAGAAATTACAAATATCT[C>G]TTTACCTCTCTTCCCAGGGAGTCAGCTCCAGTGTTACCTAGAAATAAATCAGATATGGTA-3'

ClinVar aggregate classification (germline): Uncertain significance (1 of 4 stars; one submission).

Conditions:
Hereditary pancreatitis (PCTT). Also called: Hereditary chronic pancreatitis; PRSS1-Related Hereditary Pancreatitis. Identifiers: Orphanet 676, MedGen C0238339, MONDO:0008185, OMIM 167800.

Allele frequency attached by ClinVar (database versions not stated): gnomAD exomes below 0.00001.
gnomAD v4.1: 4 of 1,612,158 alleles (0.00025%); highest among the groups gnomAD compares: Non-Finnish European, 0.00034%; no homozygotes.

Submission:

Labcorp Genetics (formerly Invitae), Labcorp
Classification: Uncertain significance for Hereditary pancreatitis. Last evaluated: 2021-08-31. Review status: criteria provided, single submitter. Criteria: Invitae Variant Classification Sherloc (09022015). Collection method: clinical testing. Allele origin: germline.
Comment: This sequence change falls in intron 3 of the SPINK1 gene. It does not directly change the encoded amino acid sequence of the SPINK1 protein. It affects a nucleotide within the consensus splice site of the intron. This variant is not present in population databases (ExAC no frequency). This variant has not been reported in the literature in individuals affected with SPINK1-related conditions. ClinVar contains an entry for this variant (Variation ID: 459189). Variants that disrupt the consensus splice site are a relatively common cause of aberrant splicing (PMID: 17576681, 9536098). Algorithms developed to predict the effect of sequence changes on RNA splicing suggest that this variant is not likely to affect RNA splicing. In summary, the available evidence is currently insufficient to determine the role of this variant in disease. Therefore, it has been classified as a Variant of Uncertain Significance.

Literature cited by the submitters: PubMed 17576681; PubMed 9536098.